The following is an entry in ClinVar:

ClinVar aggregate classification (germline): Conflicting classifications of pathogenicity. Review status: criteria provided, conflicting classifications (1 of 4 stars). 3 submissions from 3 submitters: Uncertain significance (2); Likely benign (1). Last evaluated 2025-04-28.

Conditions:
Hereditary cancer-predisposing syndrome. Also called: Neoplastic Syndromes, Hereditary; Tumor predisposition; Hereditary Cancer Syndrome; Hereditary neoplastic syndrome. Identifiers: Orphanet 140162, MedGen C0027672, MeSH D009386, MONDO:0015356.
Neuroblastoma, susceptibility to, 3. Also called: ALK-Related Neuroblastic Tumor Susceptibility. Identifiers: Orphanet 635, MedGen C2751681, MONDO:0013083, OMIM 613014.

Allele frequency attached by ClinVar (database versions not stated): TOPMed below 0.00001; gnomAD exomes below 0.00001.
gnomAD v4.1: 1 of 1,614,128 alleles (0.000062%); highest among the groups gnomAD compares: Non-Finnish European, 0.000085%; no homozygotes.

Submissions (3):

Dasa
Classification: Uncertain significance. Last evaluated: 2025-04-28. Review status: criteria provided, single submitter. Criteria: DASA Assertion Criteria. Collection method: clinical testing. Allele origin: germline.
Comment: NM_004304.5(ALK):c.1084A>G (p.Ile362Val) is a missense variant that results in the substitution of isoleucine with valine. This variant is rare in population databases. Computational prediction algorithms are consistent with a benign effect. The currently available literature and clinical evidence are not sufficient to establish a definitive association between this variant and the reported condition. Therefore, this variant is classified as a variant of uncertain significance.

Ambry Genetics
Classification: Likely benign for Hereditary cancer-predisposing syndrome. Last evaluated: 2022-09-10. Review status: criteria provided, single submitter. Criteria: Ambry Variant Classification Scheme 2023. Collection method: clinical testing. Allele origin: germline.

Labcorp Genetics (formerly Invitae), Labcorp
Classification: Uncertain significance for Neuroblastoma, susceptibility to, 3. Last evaluated: 2020-09-25. Review status: criteria provided, single submitter. Criteria: Invitae Variant Classification Sherloc (09022015). Collection method: clinical testing. Allele origin: germline.
Comment: This variant has not been reported in the literature in individuals with ALK-related conditions. In summary, the available evidence is currently insufficient to determine the role of this variant in disease. Therefore, it has been classified as a Variant of Uncertain Significance. Algorithms developed to predict the effect of sequence changes on RNA splicing suggest that this variant may create or strengthen a splice site, but this prediction has not been confirmed by published transcriptional studies. Algorithms developed to predict the effect of missense changes on protein structure and function output the following: SIFT: "Tolerated"; PolyPhen-2: "Benign"; Align-GVGD: "Class C0". The valine amino acid residue is found in multiple mammalian species, suggesting that this missense change does not adversely affect protein function. These predictions have not been confirmed by published functional studies and their clinical significance is uncertain. This variant is not present in population databases (ExAC no frequency). This sequence change replaces isoleucine with valine at codon 362 of the ALK protein (p.Ile362Val). The isoleucine residue is weakly conserved and there is a small physicochemical difference between isoleucine and valine.

NM_004304.5(ALK):c.1084A>G (p.Ile362Val)

Gene: ALK (ALK receptor tyrosine kinase; minus strand). Cytogenetic location: 2p23.2.
Variant type: single nucleotide variant.
Coding change: c.1084A>G on transcript NM_004304.5 (MANE Select); coding-DNA position 1084, A replaced by G.
Protein change: p.Ile362Val; replaces isoleucine 362 with valine.
Molecular consequence: missense variant.
Genome position (GRCh38, 1-based): chr2:29,531,985, T>C on the plus strand (A>G on the coding strand, the complement: ALK is on the minus strand). VCF-style: chr2-29531985-T-C. GRCh37 (hg19) VCF-style: chr2-29754851-T-C.
Other names: short protein forms I362V.
Identifiers: ClinVar variation 1054700 (VCV001054700.13), dbSNP rs1465809492, ClinGen allele CA346587307.